The following is an entry in ClinVar:

NM_001042492.3(NF1):c.455C>T (p.Ala152Val)

Gene: NF1 (neurofibromin 1; plus strand). Cytogenetic location: 17q11.2.
Variant type: single nucleotide variant.
Coding change: c.455C>T on transcript NM_001042492.3 (MANE Select); coding-DNA position 455, C replaced by T.
Protein change: p.Ala152Val; replaces alanine 152 with valine.
Molecular consequence: missense variant.
Genome position (GRCh38, 1-based): chr17:31,163,352, C>T. VCF-style: chr17-31163352-C-T. GRCh37 (hg19) VCF-style: chr17-29490370-C-T.
Other names: c.455C>T, p.Ala152Val (NM_000267.4, NM_001128147.3); short protein forms A152V.
Identifiers: ClinVar variation 3237791 (VCV003237791.1), dbSNP rs2143673592.

ClinVar aggregate classification (germline): Uncertain significance (1 of 4 stars; one submission).

Conditions:
Hereditary cancer-predisposing syndrome. Also called: Neoplastic Syndromes, Hereditary; Tumor predisposition; Hereditary neoplastic syndrome; Hereditary Cancer Syndrome. Identifiers: Orphanet 140162, MedGen C0027672, MeSH D009386, MONDO:0015356.
Cardiovascular phenotype. Identifiers: MedGen CN230736.

Submission:

Ambry Genetics
Classification: Uncertain significance for Cardiovascular phenotype; Hereditary cancer-predisposing syndrome. Last evaluated: 2023-03-30. Review status: criteria provided, single submitter. Criteria: Ambry Variant Classification Scheme 2023. Collection method: clinical testing. Allele origin: germline.
Comment: The p.A152V variant (also known as c.455C>T), located in coding exon 4 of the NF1 gene, results from a C to T substitution at nucleotide position 455. The alanine at codon 152 is replaced by valine, an amino acid with similar properties. This amino acid position is highly conserved in available vertebrate species. In addition, the in silico prediction for this alteration is inconclusive. Since supporting evidence is limited at this time, the clinical significance of this alteration remains unclear.